The following is an entry in ClinVar:

NM_024753.5(TTC21B):c.703G>C (p.Ala235Pro)

Genes: TTC21B (tetratricopeptide repeat domain 21B; minus strand), TTC21B-AS1 (TTC21B antisense RNA 1; plus strand). Cytogenetic location: 2q24.3.
Variant type: single nucleotide variant.
Coding change: c.703G>C on transcript NM_024753.5 (MANE Select); coding-DNA position 703, G replaced by C.
Protein change: p.Ala235Pro; replaces alanine 235 with proline.
Molecular consequence: missense variant.
Genome position (GRCh38, 1-based): chr2:165,941,034, C>G on the plus strand (G>C on the coding strand, the complement: TTC21B is on the minus strand). VCF-style: chr2-165941034-C-G. GRCh37 (hg19) VCF-style: chr2-166797544-C-G.
Other names: short protein forms A235P.
Identifiers: ClinVar variation 446647 (VCV000446647.11), dbSNP rs150742619, ClinGen allele CA1942372.

ClinVar aggregate classification (germline): Uncertain significance. Review status: criteria provided, multiple submitters, no conflicts (2 of 4 stars). 6 submissions from 6 submitters: Uncertain significance (4). 2 of the submissions do not count toward it. Last evaluated 2025-11-22.

Conditions:
TTC21B-related disorder. Also called: TTC21B-related condition; TTC21B-related disorders.
Jeune thoracic dystrophy. Also called: Short-rib thoracic dysplasia; Jeune syndrome; Infantile thoracic dystrophy; Thoracic pelvic phalangeal dystrophy; Jeune's syndrome; Chondroectodermal dysplasia-like syndrome. Identifiers: Orphanet 474, MedGen C0265275, MONDO:0018770.
Nephronophthisis. Also called: Juvenile Nephronophthisis. Identifiers: Orphanet 655, MedGen C0687120, MONDO:0019005, HP:0000090.
Nephronophthisis 12 (NPHP12). Identifiers: Orphanet 655, MedGen C3151186, MONDO:0013442, OMIM 613820.
Asphyxiating thoracic dystrophy 4 (SRTD4). Also called: SHORT-RIB THORACIC DYSPLASIA 4 WITH OR WITHOUT POLYDACTYLY; SHORT-RIB THORACIC DYSPLASIA 4. Identifiers: Orphanet 474, MedGen C3151185, MONDO:0013441, OMIM 613819.

Allele frequency attached by ClinVar (database versions not stated): gnomAD exomes below 0.00001; ExAC 0.00001; gnomAD 0.00005 and 0.00006; TOPMed 0.00005; ESP Exome Variant Server 0.00008.
gnomAD v4.1: 10 of 1,613,670 alleles (0.00062%); highest among the groups gnomAD compares: African/African-American, 0.013%; no homozygotes.

Submissions (6):

PreventionGenetics, part of Exact Sciences
Classification: Uncertain significance for TTC21B-related condition. Last evaluated: 2025-11-22. Review status: criteria provided, single submitter. Criteria: ACMG Guidelines, 2015. Collection method: clinical testing. Allele origin: germline.
Comment: The TTC21B c.703G>C variant is predicted to result in the amino acid substitution p.Ala235Pro. This variant has been reported with two other variants in this gene in an individual with short rib polydactyly syndrome (Table S2, Zhang et al 2018. PubMed ID: 29068549). This variant is reported in 0.023% of alleles in individuals of African descent in gnomAD. At this time, the clinical significance of this variant is uncertain due to the absence of conclusive functional and genetic evidence.

GeneDx
Classification: Uncertain significance. Last evaluated: 2025-04-22. Review status: criteria provided, single submitter. Criteria: GeneDx Variant Classification Process June 2021. Collection method: clinical testing. Allele origin: germline. Affected: yes.
Comment: Observed with two other TTC21B variants in a patient with asphyxiating thoracic dystrophy in published literature, but it is not known whether the variants occurred on the same (in cis) or on different (in trans) chromosomes (PMID: 29068549); In silico analysis supports that this missense variant has a deleterious effect on protein structure/function; This variant is associated with the following publications: (PMID: 29068549)

Fulgent Genetics
Classification: Uncertain significance for Asphyxiating thoracic dystrophy 4; Nephronophthisis 12. Last evaluated: 2024-05-23. Review status: criteria provided, single submitter. Criteria: ACMG Guidelines, 2015. Collection method: clinical testing. Allele origin: germline.

Labcorp Genetics (formerly Invitae), Labcorp
Classification: Uncertain significance for Jeune thoracic dystrophy; Nephronophthisis. Last evaluated: 2023-11-13. Review status: criteria provided, single submitter. Criteria: Invitae Variant Classification Sherloc (09022015). Collection method: clinical testing. Allele origin: germline.
Comment: This sequence change replaces alanine, which is neutral and non-polar, with proline, which is neutral and non-polar, at codon 235 of the TTC21B protein (p.Ala235Pro). This variant is present in population databases (rs150742619, gnomAD 0.02%). This missense change has been observed in individual(s) with asphyxiating thoracic dystrophy (PMID: 29068549). ClinVar contains an entry for this variant (Variation ID: 446647). Advanced modeling of protein sequence and biophysical properties (such as structural, functional, and spatial information, amino acid conservation, physicochemical variation, residue mobility, and thermodynamic stability) has been performed at Invitae for this missense variant, however the output from this modeling did not meet the statistical confidence thresholds required to predict the impact of this variant on TTC21B protein function. In summary, the available evidence is currently insufficient to determine the role of this variant in disease. Therefore, it has been classified as a Variant of Uncertain Significance.

Dan Cohn Lab, University Of California Los Angeles
Classification: Likely pathogenic for Asphyxiating thoracic dystrophy. Last evaluated: 2017-06-01. Review status: no assertion criteria provided. Collection method: research. Allele origin: unknown. Affected: yes. Not counted in ClinVar's aggregate classification.

University of Washington Center for Mendelian Genomics, University of Washington
Classification: Likely pathogenic for asphyxiating thoracic dystrophy. Review status: no assertion criteria provided. Collection method: research. Allele origin: inherited. Affected: yes. Not counted in ClinVar's aggregate classification.

Literature cited by the submitters: PubMed 29068549 (cited by 3 submitters).